The following is an entry in ClinVar:

NM_000535.7(PMS2):c.1789del (p.Thr597fs)

Gene: PMS2 (PMS1 homolog 2, mismatch repair system component; minus strand). Cytogenetic location: 7p22.1.
Variant type: Deletion.
Coding change: c.1789del on transcript NM_000535.7 (MANE Select); coding-DNA position 1789, one base deleted (A; older notation c.1789delA).
Protein change: p.Thr597fs; shifts the reading frame from threonine 597.
Molecular consequence: frameshift variant. On other transcripts: non-coding transcript variant (1), intron variant (1).
Genome position (GRCh38, 1-based): chr7:5,986,976, T deleted on the plus strand (A on the coding strand, the reverse complement: PMS2 is on the minus strand). VCF-style (leftmost placement, unchanged base first): chr7-5986975-GT-G. GRCh37 (hg19) VCF-style: chr7-6026606-GT-G.
Other names: c.1480del, p.Thr494fs (NM_001406881.1, NM_001406882.1, NM_001322015.2 and 5 more transcripts); c.1471del, p.Thr491fs (NM_001406883.1, NM_001406903.1, NM_001322007.2 and 2 more transcripts); c.1465del, p.Thr489fs (NM_001406884.1); c.1453del, p.Thr485fs (NM_001406885.1); c.1423del, p.Thr475fs (NM_001406886.1); c.1384del, p.Thr462fs (NM_001406887.1, NM_001406888.1, NM_001406889.1 and 16 more transcripts); c.1324del, p.Thr442fs (NM_001406900.1); c.1315del, p.Thr439fs (NM_001406901.1, NM_001406902.1); and 14 more; short protein forms T286fs, T340fs, T406fs, T410fs, T426fs, T439fs, T442fs, T462fs.
Identifiers: ClinVar variation 2674246 (VCV002674246.1), dbSNP rs2535733260, ClinGen allele CA2695198417.
Genomic context (GRCh38, chr7:5,986,975, plus strand): 5'-GGCACAACTTTCTTATTAATTTTCACAGCTACATCAACCTGAGAGGCTGACATGTCCTGA[GT>G]ATTTACTAACTTTTGACAAATGTCAGAACTGGAAAGAATTTCTTCTTTTTTAAAACGCTT-3'

ClinVar aggregate classification (germline): Pathogenic (1 of 4 stars; one submission).

Conditions:
Lynch syndrome 4 (LYNCH4). Also called: Hereditary non-polyposis colorectal cancer, type 4; Colorectal cancer, hereditary nonpolyposis, type 4. Identifiers: Orphanet 144, MedGen C1838333, MONDO:0013699, OMIM 614337. Disease mechanism: loss of function.

Submission:

Myriad Genetics, Inc.
Classification: Pathogenic for Lynch syndrome 4. Last evaluated: 2023-09-20. Review status: criteria provided, single submitter. Criteria: Myriad Autosomal Dominant, Autosomal Recessive and X-Linked Classification Criteria (2023). Collection method: clinical testing. Allele origin: unknown.
Comment: This variant is considered pathogenic. This variant creates a frameshift predicted to result in premature protein truncation.